The following is an entry in ClinVar:

NM_000322.5(PRPH2):c.476T>G (p.Leu159Arg)

Gene: PRPH2 (peripherin 2; minus strand). Cytogenetic location: 6p21.1.
Variant type: single nucleotide variant.
Coding change: c.476T>G on transcript NM_000322.5 (MANE Select); coding-DNA position 476, T replaced by G.
Protein change: p.Leu159Arg; replaces leucine 159 with arginine.
Molecular consequence: missense variant.
Genome position (GRCh38, 1-based): chr6:42,721,859, A>C on the plus strand (T>G on the coding strand, the complement: PRPH2 is on the minus strand). VCF-style: chr6-42721859-A-C. GRCh37 (hg19) VCF-style: chr6-42689597-A-C.
Other names: short protein forms L159R.
Identifiers: ClinVar variation 867057 (VCV000867057.12), dbSNP rs1761907993, ClinGen allele CA364137471.
Genomic context (GRCh38, chr6:42,721,859, plus strand): 5'-CACTGAATCTCAAACCAGTCCCGAAAACCGTTGTTGCCGCAGCATTTGAACTCGATCTGC[A>C]GCATGTCGATGGTCTTCTTCATGAAACACCTGCCAGGGGTGTCTGTGTCCCGGTAGTACT-3'
Protein context (NP_000313.2, residues 149-169): RCFMKKTIDM[Leu159Arg]QIEFKCCGNN

ClinVar aggregate classification (germline): Conflicting classifications of pathogenicity. Review status: criteria provided, conflicting classifications (1 of 4 stars). 2 submissions from 2 submitters: Likely pathogenic (1); Uncertain significance (1). Last evaluated 2024-01-02.

Conditions:
PRPH2-related disorder. Also called: PRPH2-related condition; PRPH2-related disorders. Identifiers: MedGen CN239395.

Submissions (2):

Labcorp Genetics (formerly Invitae), Labcorp
Classification: Uncertain significance for PRPH2-related disorder. Last evaluated: 2024-01-02. Review status: criteria provided, single submitter. Criteria: Invitae Variant Classification Sherloc (09022015). Collection method: clinical testing. Allele origin: germline.
Comment: This sequence change replaces leucine, which is neutral and non-polar, with arginine, which is basic and polar, at codon 159 of the PRPH2 protein (p.Leu159Arg). This variant is not present in population databases (gnomAD no frequency). This missense change has been observed in individual(s) with clinical features of retinitis pigmentosa (Invitae). ClinVar contains an entry for this variant (Variation ID: 867057). Advanced modeling of protein sequence and biophysical properties (such as structural, functional, and spatial information, amino acid conservation, physicochemical variation, residue mobility, and thermodynamic stability) performed at Invitae indicates that this missense variant is expected to disrupt PRPH2 protein function with a positive predictive value of 95%. In summary, the available evidence is currently insufficient to determine the role of this variant in disease. Therefore, it has been classified as a Variant of Uncertain Significance.

Blueprint Genetics
Classification: Likely pathogenic for PRPH2-related disorders. Last evaluated: 2022-08-17. Review status: criteria provided, single submitter. Criteria: ACMG Guidelines, 2015. Collection method: clinical testing. Allele origin: germline. Affected: yes. Observed: 4 variant alleles.